The following is an entry in ClinVar:

ClinVar aggregate classification (germline): Uncertain significance (1 of 4 stars; one submission).

Submission:

GeneDx
Classification: Uncertain significance. Last evaluated: 2023-07-12. Review status: criteria provided, single submitter. Criteria: GeneDx Variant Classification Process June 2021. Collection method: clinical testing. Allele origin: germline. Affected: yes.
Comment: Has not been previously published as pathogenic or benign to our knowledge; Not observed at significant frequency in large population cohorts (gnomAD); In silico analysis supports that this variant does not alter protein structure/function

NM_080473.5(GATA5):c.25_26delinsAG (p.Ala9Arg)

Gene: GATA5 (GATA binding protein 5; minus strand). Cytogenetic location: 20q13.33.
Variant type: Indel.
Coding change: c.25_26delinsAG on transcript NM_080473.5 (MANE Select); coding-DNA positions 25 to 26, GC replaced by AG.
Protein change: p.Ala9Arg; replaces alanine 9 with arginine.
Molecular consequence: missense variant.
Genome position (GRCh38, 1-based): chr20:62,475,496-62,475,497, GC replaced by CT on the plus strand (GC replaced by AG on the coding strand, the reverse complement: GATA5 is on the minus strand). VCF-style: chr20-62475496-GC-CT. GRCh37 (hg19) VCF-style: chr20-61050552-GC-CT.
Other names: short protein forms A9R.
Identifiers: ClinVar variation 3361029 (VCV003361029.1).